The following is an entry in ClinVar:

ClinVar aggregate classification (germline): Uncertain significance (1 of 4 stars; one submission).

Conditions:
Methylmalonic aciduria due to methylmalonyl-CoA mutase deficiency (MAMM). Also called: Methylmalonic aciduria, mut type. Identifiers: Orphanet 27, MedGen C1855114, MONDO:0009612, OMIM 251000.

Submission:

Juno Genomics, Hangzhou Juno Genomics, Inc
Classification: Uncertain significance for Methylmalonic aciduria due to methylmalonyl-CoA mutase deficiency. Review status: criteria provided, single submitter. Criteria: ACMG Guidelines, 2015. Collection method: clinical testing. Allele origin: germline.
Comment: Absent from controls (or at extremely low frequency if recessive) in Genome Aggregation Database.;Multiple lines of computational evidence support a deleterious effect on the gene or gene product.

NM_000255.4(MMUT):c.967A>G (p.Arg323Gly)

Gene: MMUT (methylmalonyl-CoA mutase; minus strand). Cytogenetic location: 6p12.3.
Variant type: single nucleotide variant.
Coding change: c.967A>G on transcript NM_000255.4 (MANE Select); coding-DNA position 967, A replaced by G.
Protein change: p.Arg323Gly; replaces arginine 323 with glycine.
Molecular consequence: missense variant.
Genome position (GRCh38, 1-based): chr6:49,453,701, T>C on the plus strand (A>G on the coding strand, the complement: MMUT is on the minus strand). VCF-style: chr6-49453701-T-C. GRCh37 (hg19) VCF-style: chr6-49421414-T-C.
Other names: short protein forms R323G.
Identifiers: ClinVar variation 5007070 (VCV005007070.2).